The following is an entry in ClinVar:

NM_001399.5(EDA):c.553_588del (p.Asn185_Pro196del)

Gene: EDA (ectodysplasin A; plus strand). Cytogenetic location: Xq13.1.
Variant type: Deletion.
Coding change: c.553_588del on transcript NM_001399.5 (MANE Select); coding-DNA positions 553 to 588, 36 bases deleted.
Protein change: p.Asn185_Pro196del.
Genome position (GRCh38, 1-based): chrX:70,027,883-70,027,918, 36 bases deleted; deleting any 36 consecutive bases within chrX:70,027,877-70,027,918 gives the same sequence; the c. name uses the placement nearest the transcript's 3' end. GRCh37 (hg19): chrX:69,247,733-69,247,768.
Other names: c.553_588del, p.Asn185_Pro196del (NM_001005609.2, NM_001005612.3); c.553_588delAATGGCCCTCCAGGACCCCCAGGACCTCCAGGACCC (NM_001399.4).
Identifiers: ClinVar variation 44198 (VCV000044198.20), dbSNP rs397516666, ClinGen allele CA261496.
Genomic context (GRCh38, chrX:70,027,876, plus strand): 5'-CCGTCTCAAAAAAAAAAGTAACACTGAATCCTATTTTTCAGGAAAGAAAGCAGGACCTCC[TGGACCCAATGGCCCTCCAGGACCCCCAGGACCTCCA>T]GGACCCCAGGGACCCCCAGGAATTCCAGGGATTCCTGGAATTCCAGGAACAACTGTTATG-3'

ClinVar aggregate classification (germline): Pathogenic. Review status: criteria provided, multiple submitters, no conflicts (2 of 4 stars). 8 submissions from 8 submitters: Pathogenic (7). 1 of the submissions does not count toward it. Last evaluated 2025-12-16.

Conditions:
EDA-related disorder. Also called: EDA-related condition; EDA-related disorders.
Hypohidrotic X-linked ectodermal dysplasia (XHED). Also called: ECTODERMAL DYSPLASIA, HYPOHIDROTIC, 1; CST SYNDROME; Christ-Siemans-Touraine syndrome; ECTODERMAL DYSPLASIA 1; Ectodermal Dysplasia 1, Anhidrotic; ECTODERMAL DYSPLASIA 1, HYPOHIDROTIC, X-LINKED. Identifiers: Orphanet 181, Orphanet 238468, MedGen C0162359, MONDO:0010585, OMIM 305100.

Submissions (8):

Labcorp Genetics (formerly Invitae), Labcorp
Classification: Pathogenic for Hypohidrotic X-linked ectodermal dysplasia. Last evaluated: 2025-12-16. Review status: criteria provided, single submitter. Criteria: Invitae Variant Classification Sherloc (09022015). Collection method: clinical testing. Allele origin: germline.
Comment: This variant, c.553_588del, results in the deletion of 12 amino acid(s) of the EDA protein (p.Asn185_Pro196del), but otherwise preserves the integrity of the reading frame. This variant is not present in population databases (gnomAD no frequency). This variant has been observed in individual(s) with hypohidrotic ectodermal dysplasia (PMID: 9683615, 9736768, 18231121). In at least one individual the variant was observed to be de novo. This variant is also known as Del794–829 or 789/795del36. ClinVar contains an entry for this variant (Variation ID: 44198). For these reasons, this variant has been classified as Pathogenic.

Victorian Clinical Genetics Services, Murdoch Childrens Research Institute
Classification: Pathogenic for Hypohidrotic X-linked ectodermal dysplasia. Last evaluated: 2025-04-23. Review status: criteria provided, single submitter. Criteria: ACMG Guidelines, 2015. Collection method: clinical testing. Allele origin: germline. Affected: yes.
Comment: This variant is classified as Pathogenic. Evidence in support of pathogenic classification: In-frame insertion/deletion fully contained in a repetitive region that has high conservation; Variant is present in gnomAD <0.001 for a dominant condition (v4: 1 heterozygote(s), 0 homozygote(s), 0 hemizygote(s)); This variant has strong previous evidence of pathogenicity in unrelated individuals. This variant has been classified as pathogenic by clinical laboratories (ClinVar). In addition, multiple individuals affected with X-linked hypohidrotic ectodermal dysplasia (XLHED) have been reported in the literature (PMIDs: 31796081, 18510547, 21357618, 11279189); Other in-frame deletion variant(s) comparable to the one identified in this case have moderate previous evidence for pathogenicity. Smaller in-frame deletions contained within this region have been classified as pathogenic by clinical laboratories (ClinVar); Variant is located in the well-established functional Gly-X-Y motif (DECIPHER, PMID: 24724966). Additional information: This variant is hemizygous; This gene is associated with both X-linked recessive and dominant disease. Female carriers of variants causing either condition may be unaffected or mildly affected, depending on skewed X-inactivation (PMIDs: 18510547, 16583127); Loss of function is a known mechanism of disease in this gene and is associated with X-linked ectodermal dysplasia 1, hypohidrotic (HED; MIM#305100) and X-linked dominant tooth agenesis, selective 1 (TA; MIM#313500).

Genomic Medicine Center of Excellence, King Faisal Specialist Hospital and Research Centre
Classification: Pathogenic for Hypohidrotic X-linked ectodermal dysplasia. Last evaluated: 2024-12-18. Review status: criteria provided, single submitter. Criteria: ACMG Guidelines, 2015. Collection method: clinical testing. Allele origin: germline.

Dubai Health Genomic Medicine Center, Dubai Health
Classification: Pathogenic. Last evaluated: 2022-12-17. Review status: criteria provided, single submitter. Criteria: ACMG Guidelines, 2015. Collection method: clinical testing. Allele origin: germline. Affected: yes.

Blueprint Genetics
Classification: Pathogenic for EDA-related disorders. Last evaluated: 2022-12-01. Review status: criteria provided, single submitter. Criteria: ACMG Guidelines, 2015. Collection method: clinical testing. Allele origin: germline. Affected: yes. Observed: 3 variant alleles.

GeneDx
Classification: Pathogenic. Last evaluated: 2022-10-14. Review status: criteria provided, single submitter. Criteria: GeneDx Variant Classification Process June 2021. Collection method: clinical testing. Allele origin: germline. Affected: yes.
Comment: In-frame deletion of 12 amino acids in a non-repeat region predicted to critically alter the protein; Not observed at significant frequency in large population cohorts (gnomAD); In silico analysis supports a deleterious effect on protein structure/function; This variant is associated with the following publications: (PMID: 11279189, 31796081, 18510547, 9736768, 21357618, 9683615)

Laboratory for Molecular Medicine, Mass General Brigham Personalized Medicine
Classification: Pathogenic for Hypohidrotic X-linked ectodermal dysplasia. Last evaluated: 2013-10-31. Review status: criteria provided, single submitter. Criteria: LMM Criteria. Collection method: clinical testing. Allele origin: germline. Inheritance: X-linked inheritance. Observed: 4 variant alleles.
Comment: The p.Asn185_Pro196del variant in EDA has been identified in several individuals with clinical features of X-linked hypohidrotic ectodermal dysplasia (Bayes 199 8, Monreal 1998, Schneider 2001, Lexner 2008, Schneider 2011). Some of these ind ividuals were reported to have the c.553_588del variant, as seen in this individ ual, while others were reported to have the c.546_581del variant. Both variants result in the same amino acid deletion, and therefore likely have the same impac t to the protein. Non-standard nomenclature has been also used in some reports ( c.del794-829). The variant has been identified in one carrier mother and her two affected sons, as well as de novo in at least 2 individuals with de novo diseas e (Monreal 1998, Scheinder 2001). In summary, this variant meets our criteria to be classified as pathogenic for HED in an X-linked manner (. org/personalizedmedicine/LMM).

Department of Pediatric and Adolescent Medicine, University of Erlangen
Classification: Pathogenic for Hypohidrotic X-linked ectodermal dysplasia. Last evaluated: 2025-01-07. Review status: no assertion criteria provided. Collection method: clinical testing. Allele origin: germline. Affected: yes. Not counted in ClinVar's aggregate classification.

Literature cited by the submitters: PubMed 9683615 (cited by Labcorp Genetics (formerly Invitae), Labcorp and Laboratory for Molecular Medicine, Mass General Brigham Personalized Medicine); PubMed 9736768 (cited by Labcorp Genetics (formerly Invitae), Labcorp); PubMed 18231121 (cited by Labcorp Genetics (formerly Invitae), Labcorp); PubMed 16583127 (cited by Victorian Clinical Genetics Services, Murdoch Childrens Research Institute); PubMed 11279189 (cited by Victorian Clinical Genetics Services, Murdoch Childrens Research Institute and Laboratory for Molecular Medicine, Mass General Brigham Personalized Medicine); PubMed 24724966 (cited by Victorian Clinical Genetics Services, Murdoch Childrens Research Institute); PubMed 31796081 (cited by Victorian Clinical Genetics Services, Murdoch Childrens Research Institute); PubMed 21357618 (cited by Victorian Clinical Genetics Services, Murdoch Childrens Research Institute and Laboratory for Molecular Medicine, Mass General Brigham Personalized Medicine); PubMed 18510547 (cited by Victorian Clinical Genetics Services, Murdoch Childrens Research Institute and Laboratory for Molecular Medicine, Mass General Brigham Personalized Medicine).